The following is an entry in ClinVar:

ClinVar aggregate classification (germline): Benign. Review status: criteria provided, multiple submitters, no conflicts (2 of 4 stars). 4 submissions from 4 submitters: Benign (3). 1 of the submissions does not count toward it. Last evaluated 2025-12-15.

Allele frequency attached by ClinVar (database versions not stated): gnomAD exomes 0.00373; ExAC 0.00444; gnomAD 0.01404 and 0.01487; TOPMed 0.01572; ESP Exome Variant Server 0.01615; 1000 Genomes Project 0.01797; 1000 Genomes Project 30x 0.01936.
gnomAD v4.1: 3,990 of 1,608,802 alleles (0.25%); highest among the groups gnomAD compares: African/African-American, 4.7%; 95 homozygotes.

Submissions (4):

Labcorp Genetics (formerly Invitae), Labcorp
Classification: Benign. Last evaluated: 2025-12-15. Review status: criteria provided, single submitter. Criteria: Invitae Variant Classification Sherloc (09022015). Collection method: clinical testing. Allele origin: germline.

CeGaT Center for Human Genetics Tuebingen
Classification: Benign. Last evaluated: 2025-06-01. Review status: criteria provided, single submitter. Criteria: CeGaT Center For Human Genetics Tuebingen Variant Classification Criteria Version 2. Collection method: clinical testing. Allele origin: germline. Affected: yes. Observed: 1 variant allele.
Comment: ERBB2: BP4, BS1, BS2

Breakthrough Genomics
Classification: Benign. Review status: criteria provided, single submitter. Criteria: ACMG Guidelines, 2015. Collection method: not provided. Allele origin: germline. Inheritance: Autosomal recessive inheritance. Affected: yes.

ITMI
No classification provided. Condition: AllHighlyPenetrant. Last evaluated: 2013-09-19. Review status: no classification provided. Collection method: reference population. Allele origin: germline. Not counted in ClinVar's aggregate classification.
Comment: Please see associated publication for description of ethnicities

Literature cited by the submitters: PubMed 24728327 (cited by ITMI).

NM_004448.4(ERBB2):c.1356G>T (p.Trp452Cys)

Gene: ERBB2 (erb-b2 receptor tyrosine kinase 2; plus strand). Cytogenetic location: 17q12.
Variant type: single nucleotide variant.
Coding change: c.1356G>T on transcript NM_004448.4 (MANE Select); coding-DNA position 1356, G replaced by T.
Protein change: p.Trp452Cys; replaces tryptophan 452 with cysteine.
Molecular consequence: missense variant. On other transcripts: non-coding transcript variant (1), intron variant (1).
Genome position (GRCh38, 1-based): chr17:39,715,782, G>T. VCF-style: chr17-39715782-G-T. GRCh37 (hg19) VCF-style: chr17-37872035-G-T.
Other names: c.1266G>T, p.Trp422Cys (NM_001005862.3, NM_001289938.2, NM_001382782.1 and 1 more transcripts); c.1311G>T, p.Trp437Cys (NM_001289936.2); c.1356G>T, p.Trp452Cys (NM_001289937.2, NM_001382785.1, NM_001382788.1 and 12 more transcripts); c.1473G>T, p.Trp491Cys (NM_001382784.1, NM_001382786.1); c.1431G>T, p.Trp477Cys (NM_001382787.1); c.1377G>T, p.Trp459Cys (NM_001382789.1); c.1347G>T, p.Trp449Cys (NM_001382791.1); c.1176G>T, p.Trp392Cys (NM_001382799.1); and 3 more; short protein forms W422C, W452C, W437C, W176C, W366C, W392C, W449C, W459C.
Identifiers: ClinVar variation 134072 (VCV000134072.21), dbSNP rs4252633, ClinGen allele CA158583.
Genomic context (GRCh38, chr17:39,715,782, plus strand): 5'-CCCACCTTTCTCCCATAGTGGCGCCTACTCGCTGACCCTGCAAGGGCTGGGCATCAGCTG[G>T]CTGGGGCTGCGCTCACTGAGGGAACTGGGCAGTGGACTGGCCCTCATCCACCATAACACC-3'
Protein context (NP_004439.2, residues 442-462): SLTLQGLGIS[Trp452Cys]LGLRSLRELG